The following is an entry in ClinVar:

NM_018089.3(ANKZF1):c.524T>C (p.Leu175Pro)

Gene: ANKZF1 (ankyrin repeat and zinc finger peptidyl tRNA hydrolase 1; plus strand). Cytogenetic location: 2q35.
Variant type: single nucleotide variant.
Coding change: c.524T>C on transcript NM_018089.3 (MANE Select); coding-DNA position 524, T replaced by C.
Protein change: p.Leu175Pro; replaces leucine 175 with proline.
Molecular consequence: missense variant. On other transcripts: 5 prime UTR variant (1).
Genome position (GRCh38, 1-based): chr2:219,232,649, T>C. VCF-style: chr2-219232649-T-C. GRCh37 (hg19) VCF-style: chr2-220097371-T-C.
Other names: c.524T>C, p.Leu175Pro (NM_001042410.2); c.-107T>C (NM_001282792.2); short protein forms L175P.
Identifiers: ClinVar variation 1499795 (VCV001499795.8), dbSNP rs765039743, ClinGen allele CA2120766.

ClinVar aggregate classification (germline): Uncertain significance (1 of 4 stars; one submission).

Allele frequency attached by ClinVar (database versions not stated): gnomAD exomes 0.00001; ExAC 0.00002.
gnomAD v4.1: 9 of 1,614,216 alleles (0.00056%); highest among the groups gnomAD compares: Non-Finnish European, 0.00068%; no homozygotes.

Submission:

Labcorp Genetics (formerly Invitae), Labcorp
Classification: Uncertain significance. Last evaluated: 2024-04-25. Review status: criteria provided, single submitter. Criteria: Invitae Variant Classification Sherloc (09022015). Collection method: clinical testing. Allele origin: germline.
Comment: This sequence change replaces leucine, which is neutral and non-polar, with proline, which is neutral and non-polar, at codon 175 of the ANKZF1 protein (p.Leu175Pro). This variant is present in population databases (rs765039743, gnomAD 0.004%). This variant has not been reported in the literature in individuals affected with ANKZF1-related conditions. ClinVar contains an entry for this variant (Variation ID: 1499795). An algorithm developed to predict the effect of missense changes on protein structure and function (PolyPhen-2) suggests that this variant is likely to be disruptive. In summary, the available evidence is currently insufficient to determine the role of this variant in disease. Therefore, it has been classified as a Variant of Uncertain Significance.